The following is an entry in ClinVar:

ClinVar aggregate classification (germline): Uncertain significance (1 of 4 stars; one submission).

Conditions:
Intellectual developmental disorder, X-linked 1. Also called: Intellectual disability, X-linked 1; Atkin Flaitz Patil Smith syndrome; MENTAL RETARDATION, X-LINKED 18; MENTAL RETARDATION, X-LINKED 78. Identifiers: Orphanet 777, MedGen C2931498, MONDO:0010656, OMIM 309530.

Submission:

Labcorp Genetics (formerly Invitae), Labcorp
Classification: Uncertain significance for Intellectual developmental disorder, X-linked 1. Last evaluated: 2022-02-04. Review status: criteria provided, single submitter. Criteria: Invitae Variant Classification Sherloc (09022015). Collection method: clinical testing. Allele origin: germline.
Comment: In summary, the available evidence is currently insufficient to determine the role of this variant in disease. Therefore, it has been classified as a Variant of Uncertain Significance. Algorithms developed to predict the effect of missense changes on protein structure and function are either unavailable or do not agree on the potential impact of this missense change (SIFT: "Tolerated"; PolyPhen-2: "Not Available"; Align-GVGD: "Class C0"). This variant has not been reported in the literature in individuals affected with IQSEC2-related conditions. This variant is not present in population databases (gnomAD no frequency). This sequence change replaces threonine, which is neutral and polar, with isoleucine, which is neutral and non-polar, at codon 1486 of the IQSEC2 protein (p.Thr1486Ile).

NM_001111125.3(IQSEC2):c.4457C>T (p.Thr1486Ile)

Gene: IQSEC2 (IQ motif and Sec7 domain ArfGEF 2; minus strand). Cytogenetic location: Xp11.22.
Variant type: single nucleotide variant.
Coding change: c.4457C>T on transcript NM_001111125.3 (MANE Select); coding-DNA position 4457, C replaced by T.
Protein change: p.Thr1486Ile; replaces threonine 1486 with isoleucine.
Molecular consequence: missense variant. On other transcripts: 3 prime UTR variant (1).
Genome position (GRCh38, 1-based): chrX:53,234,229, G>A on the plus strand (C>T on the coding strand, the complement: IQSEC2 is on the minus strand). VCF-style: chrX-53234229-G-A. GRCh37 (hg19) VCF-style: chrX-53263411-G-A.
Other names: c.*942C>T (NM_015075.2); short protein forms T1486I.
Identifiers: ClinVar variation 1520662 (VCV001520662.8), dbSNP rs2146999666, ClinGen allele CA413138052.
Genomic context (GRCh38, chrX:53,234,229, plus strand): 5'-TCCTGTGGCTCCCCAGACTTTCCTGTTCCCCAGCTCACTCTCTCCATTCATCAGACCACG[G>A]TGCTGATCCGGCTTGGCTTGGCCTTGGGGTTTGCACTGGGGGGGTTGGCTGTGCCAGGGG-3'
Protein context (NP_001104595.1, residues 1476-1488): NPKAKPSRIS[Thr1486Ile]VV